The following is an entry in ClinVar:

ClinVar aggregate classification (germline): Uncertain significance (1 of 4 stars; one submission).

Submission:

Labcorp Genetics (formerly Invitae), Labcorp
Classification: Uncertain significance. Last evaluated: 2022-07-12. Review status: criteria provided, single submitter. Criteria: Invitae Variant Classification Sherloc (09022015). Collection method: clinical testing. Allele origin: germline.
Comment: In summary, the available evidence is currently insufficient to determine the role of this variant in disease. Therefore, it has been classified as a Variant of Uncertain Significance. Algorithms developed to predict the effect of missense changes on protein structure and function (SIFT, PolyPhen-2, Align-GVGD) all suggest that this variant is likely to be disruptive. This variant has not been reported in the literature in individuals affected with RHO-related conditions. This variant is not present in population databases (gnomAD no frequency). This sequence change replaces tyrosine, which is neutral and polar, with serine, which is neutral and polar, at codon 206 of the RHO protein (p.Tyr206Ser).

NM_000539.3(RHO):c.617A>C (p.Tyr206Ser)

Gene: RHO (rhodopsin; plus strand). Cytogenetic location: 3q22.1.
Variant type: single nucleotide variant.
Coding change: c.617A>C on transcript NM_000539.3 (MANE Select); coding-DNA position 617, A replaced by C.
Protein change: p.Tyr206Ser; replaces tyrosine 206 with serine.
Molecular consequence: missense variant.
Genome position (GRCh38, 1-based): chr3:129,532,337, A>C. VCF-style: chr3-129532337-A-C. GRCh37 (hg19) VCF-style: chr3-129251180-A-C.
Other names: short protein forms Y206S.
Identifiers: ClinVar variation 2038203 (VCV002038203.4), dbSNP rs2533027005, ClinGen allele CA354469840.